The following is an entry in ClinVar:

ClinVar aggregate classification (germline): Likely pathogenic (1 of 4 stars; one submission).

Allele frequency attached by ClinVar (database versions not stated): gnomAD 0.00001; ESP Exome Variant Server 0.00008.
gnomAD v4.1: 11 of 1,612,164 alleles (0.00068%); highest among the groups gnomAD compares: African/African-American, 0.0027%; no homozygotes.

Submission:

CeGaT Center for Human Genetics Tuebingen
Classification: Likely pathogenic. Last evaluated: 2022-08-01. Review status: criteria provided, single submitter. Criteria: CeGaT Center For Human Genetics Tuebingen Variant Classification Criteria Version 2. Collection method: clinical testing. Allele origin: germline. Affected: yes. Observed: 1 variant allele.
Comment: MTFMT: PVS1:Strong, PM2

NM_139242.4(MTFMT):c.419+2T>C

Gene: MTFMT (mitochondrial methionyl-tRNA formyltransferase; minus strand). Cytogenetic location: 15q22.31.
Variant type: single nucleotide variant.
Coding change: c.419+2T>C on transcript NM_139242.4 (MANE Select); the canonical splice donor site of the intron after coding-DNA position 419, T replaced by C.
Molecular consequence: splice donor variant.
Genome position (GRCh38, 1-based): chr15:65,026,829, A>G on the plus strand (T>C on the coding strand, the complement: MTFMT is on the minus strand). VCF-style: chr15-65026829-A-G. GRCh37 (hg19) VCF-style: chr15-65319167-A-G.
Identifiers: ClinVar variation 1711383 (VCV001711383.30), dbSNP rs375215524, ClinGen allele CA271502818.